The following is an entry in ClinVar:

NM_001360.3(DHCR7):c.840C>T (p.Tyr280=)

Gene: DHCR7 (7-dehydrocholesterol reductase; minus strand). Cytogenetic location: 11q13.4.
Variant type: single nucleotide variant.
Coding change: c.840C>T on transcript NM_001360.3 (MANE Select); coding-DNA position 840, C replaced by T.
Protein change: p.Tyr280=; no amino-acid change (tyrosine 280 retained).
Molecular consequence: synonymous variant.
Genome position (GRCh38, 1-based): chr11:71,437,935, G>A on the plus strand (C>T on the coding strand, the complement: DHCR7 is on the minus strand). VCF-style: chr11-71437935-G-A. GRCh37 (hg19) VCF-style: chr11-71148981-G-A.
Other names: c.840C>T, p.Tyr280= (NM_001163817.2).
Identifiers: ClinVar variation 289501 (VCV000289501.25), dbSNP rs148468879, ClinGen allele CA6162416.

ClinVar aggregate classification (germline): Conflicting classifications of pathogenicity. Review status: criteria provided, conflicting classifications (1 of 4 stars). 6 submissions from 6 submitters: Uncertain significance (2); Likely benign (2). 2 of the submissions do not count toward it. Last evaluated 2026-01-19.

Conditions:
DHCR7-related disorder. Also called: DHCR7-related condition.
Inborn genetic diseases. Identifiers: MedGen C0950123, MeSH D030342.
Smith-Lemli-Opitz syndrome (SLOS). Also called: 7-Dehydrocholesterol reductase deficiency; POLYDACTYLY, SEX REVERSAL, RENAL HYPOPLASIA, AND UNILOBAR LUNG; RSH SYNDROME; RUTLEDGE LETHAL MULTIPLE CONGENITAL ANOMALY SYNDROME; LETHAL ACRODYSGENITAL SYNDROME. Identifiers: Orphanet 818, MedGen C0175694, MONDO:0010035, OMIM 270400.

Allele frequency attached by ClinVar (database versions not stated): ExAC 0.00005; gnomAD exomes 0.00006 and 0.00015; gnomAD 0.00007 and 0.00008; TOPMed 0.00009; 1000 Genomes Project 0.00040; 1000 Genomes Project 30x 0.00047.
gnomAD v4.1: 244 of 1,613,326 alleles (0.015%); highest among the groups gnomAD compares: East Asian, 0.049%; no homozygotes.

Submissions (6):

Labcorp Genetics (formerly Invitae), Labcorp
Classification: Likely benign for Smith-Lemli-Opitz syndrome. Last evaluated: 2026-01-19. Review status: criteria provided, single submitter. Criteria: Invitae Variant Classification Sherloc (09022015). Collection method: clinical testing. Allele origin: germline.

Ambry Genetics
Classification: Likely benign for Inborn genetic diseases. Last evaluated: 2023-07-10. Review status: criteria provided, single submitter. Criteria: Ambry Variant Classification Scheme 2023. Collection method: clinical testing. Allele origin: germline.

Illumina Laboratory Services, Illumina
Classification: Uncertain significance for Smith-Lemli-Opitz syndrome. Last evaluated: 2018-01-12. Review status: criteria provided, single submitter. Criteria: ICSL Variant Classification Criteria 13 December 2019. Collection method: clinical testing. Allele origin: germline.

Eurofins Ntd Llc (ga)
Classification: Uncertain significance. Last evaluated: 2016-08-09. Review status: criteria provided, single submitter. Criteria: EGL Classification Definitions 2015. Collection method: clinical testing. Allele origin: germline. Observed: 1 variant allele, 1 heterozygote.

PreventionGenetics, part of Exact Sciences
Classification: Likely benign for DHCR7-related condition. Last evaluated: 2022-10-19. Review status: no assertion criteria provided. Collection method: clinical testing. Allele origin: germline. Not counted in ClinVar's aggregate classification.
Comment: This variant is classified as likely benign based on ACMG/AMP sequence variant interpretation guidelines (Richards et al. 2015 PMID: 25741868, with internal and published modifications).

Natera, Inc.
Classification: Uncertain significance for Smith-Lemli-Opitz syndrome. Last evaluated: 2018-12-22. Review status: no assertion criteria provided. Collection method: clinical testing. Allele origin: germline. Not counted in ClinVar's aggregate classification.